The following is an entry in ClinVar:

ClinVar aggregate classification (germline): Uncertain significance (1 of 4 stars; one submission).

Submission:

GeneDx
Classification: Uncertain significance. Last evaluated: 2019-06-05. Review status: criteria provided, single submitter. Criteria: GeneDx Variant Classification Process June 2021. Collection method: clinical testing. Allele origin: germline. Affected: yes.
Comment: Not observed in large population cohorts (Lek et al., 2016); Has not been previously published as pathogenic or benign to our knowledge

NM_002485.5(NBN):c.1228A>C (p.Ser410Arg)

Gene: NBN (nibrin; minus strand). Cytogenetic location: 8q21.3.
Variant type: single nucleotide variant.
Coding change: c.1228A>C on transcript NM_002485.5 (MANE Select); coding-DNA position 1228, A replaced by C.
Protein change: p.Ser410Arg; replaces serine 410 with arginine.
Molecular consequence: missense variant.
Genome position (GRCh38, 1-based): chr8:89,955,452, T>G on the plus strand (A>C on the coding strand, the complement: NBN is on the minus strand). VCF-style: chr8-89955452-T-G. GRCh37 (hg19) VCF-style: chr8-90967680-T-G.
Other names: c.982A>C, p.Ser328Arg (NM_001024688.3); short protein forms S328R, S410R.
Identifiers: ClinVar variation 1306385 (VCV001306385.2), dbSNP rs1185542329, ClinGen allele CA371656316.
Genomic context (GRCh38, chr8:89,955,452, plus strand): 5'-GATAGTTTGGGATTCTCATCTTAGCCAAAGTATTTGATACCATACTATTATTATTAGAGC[T>G]TGTTTTGCAGGACTCCTTTACAGTGGGTGCATCTTGTGAAAGCATTCTGAATTTTTGTTC-3'
Protein context (NP_002476.2, residues 400-420): APTVKESCKT[Ser410Arg]SNNNSMVSNT